The following is an entry in ClinVar:

NM_012096.3(APPL1):c.117G>C (p.Gln39His)

Gene: APPL1 (adaptor protein, phosphotyrosine interacting with PH domain and leucine zipper 1; plus strand). Cytogenetic location: 3p14.3.
Variant type: single nucleotide variant.
Coding change: c.117G>C on transcript NM_012096.3 (MANE Select); coding-DNA position 117, G replaced by C.
Protein change: p.Gln39His; replaces glutamine 39 with histidine.
Molecular consequence: missense variant.
Genome position (GRCh38, 1-based): chr3:57,235,628, G>C. VCF-style: chr3-57235628-G-C. GRCh37 (hg19) VCF-style: chr3-57269656-G-C.
Other names: short protein forms Q39H.
Identifiers: ClinVar variation 1906567 (VCV001906567.5), dbSNP rs2471802032, ClinGen allele CA353404547.

ClinVar aggregate classification (germline): Uncertain significance (1 of 4 stars; one submission).

Allele frequency attached by ClinVar (database versions not stated): gnomAD exomes below 0.00001.
gnomAD v4.1: 1 of 1,613,578 alleles (0.000062%); highest among the groups gnomAD compares: South Asian, 0.0011%; no homozygotes.

Submission:

Labcorp Genetics (formerly Invitae), Labcorp
Classification: Uncertain significance. Last evaluated: 2022-05-05. Review status: criteria provided, single submitter. Criteria: Invitae Variant Classification Sherloc (09022015). Collection method: clinical testing. Allele origin: germline.
Comment: In summary, the available evidence is currently insufficient to determine the role of this variant in disease. Therefore, it has been classified as a Variant of Uncertain Significance. Algorithms developed to predict the effect of missense changes on protein structure and function are either unavailable or do not agree on the potential impact of this missense change (SIFT: "Deleterious"; PolyPhen-2: "Benign"; Align-GVGD: "Class C0"). This variant has not been reported in the literature in individuals affected with APPL1-related conditions. This variant is not present in population databases (gnomAD no frequency). This sequence change replaces glutamine, which is neutral and polar, with histidine, which is basic and polar, at codon 39 of the APPL1 protein (p.Gln39His).